The following is an entry in ClinVar:

NM_000352.6(ABCC8):c.817del (p.Gln273fs)

Gene: ABCC8 (ATP binding cassette subfamily C member 8; minus strand). Cytogenetic location: 11p15.1.
Variant type: Deletion.
Coding change: c.817del on transcript NM_000352.6 (MANE Select); coding-DNA position 817, one base deleted (C; older notation c.817delC).
Protein change: p.Gln273fs; shifts the reading frame from glutamine 273.
Molecular consequence: frameshift variant. On other transcripts: non-coding transcript variant (1).
Genome position (GRCh38, 1-based): chr11:17,461,588, G deleted on the plus strand (C on the coding strand, the reverse complement: ABCC8 is on the minus strand); the first of 3 consecutive G bases (chr11:17,461,588-17,461,590); deleting any one gives the same sequence. VCF-style (leftmost placement, unchanged base first): chr11-17461587-TG-T. GRCh37 (hg19) VCF-style: chr11-17483134-TG-T.
Other names: c.817del, p.Gln273fs (NM_001287174.3, NM_001351295.2, NM_001351296.2 and 1 more transcripts); c.817del (NM_000352.4); short protein forms Q273fs.
Identifiers: ClinVar variation 1453604 (VCV001453604.11), dbSNP rs2133678848, ClinGen allele CA2573146150.

ClinVar aggregate classification (germline): Pathogenic/Likely pathogenic. Review status: criteria provided, multiple submitters, no conflicts (2 of 4 stars). 4 submissions from 4 submitters: Pathogenic (3); Likely pathogenic (1). Last evaluated 2026-03-25.

Conditions:
Hyperinsulinemic hypoglycemia, familial, 1 (HHF1). Also called: Persistent hyperinsulinemic hypoglycemia of infancy; Persistent Hyperinsulinemia Hypoglycemia of Infancy; HYPERINSULINISM, FAMILIAL, WITH PANCREATIC NESIDIOBLASTOSIS; HYPOGLYCEMIA, HYPERINSULINEMIC, OF INFANCY; NESIDIOBLASTOSIS OF PANCREAS. Identifiers: Orphanet 276575, Orphanet 276598, MedGen C2931832, MONDO:0009734, OMIM 256450.
Type 2 diabetes mellitus. Also called: Type II diabetes mellitus. Identifiers: MedGen C0011860, MeSH D003924, MONDO:0005148, OMIM 125853, HP:0005978.
Hereditary hyperinsulinism.

Submissions (4):

Myriad Genetics, Inc.
Classification: Pathogenic for Hyperinsulinemic hypoglycemia, familial, 1. Last evaluated: 2026-03-25. Review status: criteria provided, single submitter. Criteria: Myriad Autosomal Dominant, Autosomal Recessive and X-Linked Classification Criteria (2023). Collection method: clinical testing. Allele origin: unknown.
Comment: NM_000352.3(ABCC8):c.817delC(Q273Rfs*86) is expected to be pathogenic in the context of familial hyperinsulinism, ABCC8-related. This variant is predicted to lead to an abnormal or absent protein product due to the creation of a premature termination codon in ABCC8, a gene where loss-of-function variants are known to be pathogenic. Please note: this variant was assessed in the context of healthy population screening.

Natera, Inc.
Classification: Pathogenic for Hereditary hyperinsulinism. Last evaluated: 2024-06-27. Review status: criteria provided, single submitter. Criteria: Natera Variant Classification Schema (03/2026). Collection method: clinical testing. Allele origin: germline.
Comment: The c.817del variant in ABCC8 is a frameshift variant predicted to shift the reading frame beginning at codon 273 and leads to a stop codon 86 codons downstream. This variant is expected to result in nonsense mediated decay, truncation, or a dysfunctional protein product. This variant is rare in the general population with a frequency below the threshold expected for the associated phenotype(s). This variant has been observed in one or more individuals affected with the associated recessive disease, as either homozygous or compound heterozygous with a second variant (PMID: 31208162). Given the available evidence, this variant is classified as Pathogenic.

Baylor Genetics
Classification: Likely pathogenic for Type 2 diabetes mellitus. Last evaluated: 2024-03-30. Review status: criteria provided, single submitter. Criteria: ACMG Guidelines, 2015. Collection method: clinical testing. Allele origin: unknown.

Labcorp Genetics (formerly Invitae), Labcorp
Classification: Pathogenic. Last evaluated: 2021-06-01. Review status: criteria provided, single submitter. Criteria: Invitae Variant Classification Sherloc (09022015). Collection method: clinical testing. Allele origin: germline.
Comment: For these reasons, this variant has been classified as Pathogenic. This variant has been observed in individual(s) with congenital hyperinsulinism (PMID: 31208162). This variant is not present in population databases (ExAC no frequency). This sequence change creates a premature translational stop signal (p.Gln273Argfs*86) in the ABCC8 gene. It is expected to result in an absent or disrupted protein product. Loss-of-function variants in ABCC8 are known to be pathogenic (PMID: 20685672, 23345197).

Literature cited by the submitters: PubMed 31208162 (cited by Natera, Inc. and Labcorp Genetics (formerly Invitae), Labcorp); PubMed 20685672 (cited by Labcorp Genetics (formerly Invitae), Labcorp); PubMed 23345197 (cited by Labcorp Genetics (formerly Invitae), Labcorp).